The following is an entry in ClinVar:

NM_003676.4(DEGS1):c.49C>T (p.Gln17Ter)

Gene: DEGS1 (delta 4-desaturase, sphingolipid 1; plus strand). Cytogenetic location: 1q42.11.
Variant type: single nucleotide variant.
Coding change: c.49C>T on transcript NM_003676.4 (MANE Select); coding-DNA position 49, C replaced by T.
Protein change: p.Gln17Ter; replaces glutamine 17 with a stop codon.
Molecular consequence: nonsense.
Genome position (GRCh38, 1-based): chr1:224,183,385, C>T. VCF-style: chr1-224183385-C-T. GRCh37 (hg19) VCF-style: chr1-224371087-C-T.
Other names: c.49C>T, p.Gln17Ter (NM_001321541.2); short protein forms Q17*.
Identifiers: ClinVar variation 1954874 (VCV001954874.5), dbSNP rs1156445260, ClinGen allele CA344707544.

ClinVar aggregate classification (germline): Pathogenic (1 of 4 stars; one submission).

Allele frequency attached by ClinVar (database versions not stated): gnomAD 0.00001; gnomAD exomes 0.00001.
gnomAD v4.1: 6 of 1,435,358 alleles (0.00042%); highest among the groups gnomAD compares: Non-Finnish European, 0.00055%; no homozygotes.

Submission:

Labcorp Genetics (formerly Invitae), Labcorp
Classification: Pathogenic. Last evaluated: 2022-10-19. Review status: criteria provided, single submitter. Criteria: Invitae Variant Classification Sherloc (09022015). Collection method: clinical testing. Allele origin: germline.
Comment: For these reasons, this variant has been classified as Pathogenic. This variant has not been reported in the literature in individuals affected with DEGS1-related conditions. The frequency data for this variant in the population databases is considered unreliable, as metrics indicate poor data quality at this position in the gnomAD database. This sequence change creates a premature translational stop signal (p.Gln17*) in the DEGS1 gene. It is expected to result in an absent or disrupted protein product. Loss-of-function variants in DEGS1 are known to be pathogenic (PMID: 30620337).

Literature cited by the submitters: PubMed 30620337.